The following is an entry in ClinVar:

NM_002890.3(RASA1):c.1583A>G (p.Tyr528Cys)

Genes: CCNH (cyclin H; minus strand), RASA1 (RAS p21 protein activator 1; plus strand). Cytogenetic location: 5q14.3.
Variant type: single nucleotide variant.
Coding change: c.1583A>G on transcript NM_002890.3 (MANE Select); coding-DNA position 1583, A replaced by G.
Protein change: p.Tyr528Cys; replaces tyrosine 528 with cysteine.
Molecular consequence: missense variant. On other transcripts: intron variant (1).
Genome position (GRCh38, 1-based): chr5:87,363,477, A>G. VCF-style: chr5-87363477-A-G. GRCh37 (hg19) VCF-style: chr5-86659294-A-G.
Other names: NM_002890.2(RASA1):c.1583A>G(p.Tyr528Cys); NM_022650.2(RASA1):c.1052A>G(p.Tyr351Cys); c.1052A>G, p.Tyr351Cys (NM_022650.3); c.933+31567T>C (NM_001364075.2); short protein forms Y528C, Y351C.
Identifiers: ClinVar variation 354519 (VCV000354519.47), dbSNP rs145752649, ClinGen allele CA3335779.

ClinVar aggregate classification (germline): Conflicting classifications of pathogenicity. Review status: criteria provided, conflicting classifications (1 of 4 stars). 9 submissions from 9 submitters: Uncertain significance (1); Benign (5); Likely benign (2). 1 of the submissions does not count toward it. Last evaluated 2026-02-01.

Conditions:
Capillary malformation-arteriovenous malformation syndrome. Also called: Capillary malformation-arteriovenous malformation. Identifiers: Orphanet 137667, MedGen C1842180, MONDO:0012016.
Cardiovascular phenotype. Identifiers: MedGen CN230736.
Capillary malformation-arteriovenous malformation 1 (CMAVM1). Identifiers: Orphanet 137667, Orphanet 693907, MedGen C4747394, MONDO:0020783, OMIM 608354.
RASA1-related disorder. Also called: RASA1-related condition.

Allele frequency attached by ClinVar (database versions not stated): 1000 Genomes Project 0.00100; gnomAD exomes 0.00149 and 0.00124; ESP Exome Variant Server 0.00031; gnomAD 0.00043 and 0.00069; ExAC 0.00164; 1000 Genomes Project 30x 0.00109; TOPMed 0.00057.
gnomAD v4.1: 1,922 of 1,612,446 alleles (0.12%); highest among the groups gnomAD compares: South Asian, 0.98%; 15 homozygotes.

Submissions (9):

Labcorp Genetics (formerly Invitae), Labcorp
Classification: Benign for Capillary malformation-arteriovenous malformation syndrome. Last evaluated: 2026-02-01. Review status: criteria provided, single submitter. Criteria: Invitae Variant Classification Sherloc (09022015). Collection method: clinical testing. Allele origin: germline.

ARUP Laboratories, Molecular Genetics and Genomics, ARUP Laboratories
Classification: Benign. Last evaluated: 2025-07-18. Review status: criteria provided, single submitter. Criteria: ARUP Molecular Germline Variant Investigation Process 2024. Collection method: clinical testing. Allele origin: germline.

Blueprint Genetics
Classification: Likely benign. Last evaluated: 2024-11-26. Review status: criteria provided, single submitter. Criteria: ACMG Guidelines, 2015. Collection method: clinical testing. Allele origin: germline.

CeGaT Center for Human Genetics Tuebingen
Classification: Benign. Last evaluated: 2024-01-01. Review status: criteria provided, single submitter. Criteria: CeGaT Center For Human Genetics Tuebingen Variant Classification Criteria Version 2. Collection method: clinical testing. Allele origin: germline. Affected: yes. Observed: 1 variant allele.
Comment: RASA1: PP3, BS1, BS2

GeneDx
Classification: Benign. Last evaluated: 2021-06-16. Review status: criteria provided, single submitter. Criteria: GeneDx Variant Classification Process June 2021. Collection method: clinical testing. Allele origin: germline. Affected: yes.
Comment: This variant is associated with the following publications: (PMID: 24038909, 27884173, 28655553, 30507091, 27081547, 27535533, 33125148)

Ambry Genetics
Classification: Likely benign for Cardiovascular phenotype. Last evaluated: 2018-08-07. Review status: criteria provided, single submitter. Criteria: Ambry Variant Classification Scheme 2023. Collection method: clinical testing. Allele origin: germline.

SIB Swiss Institute of Bioinformatics
Classification: Uncertain significance for Capillary malformation-arteriovenous malformation 1. Last evaluated: 2018-05-31. Review status: criteria provided, single submitter. Criteria: ACMG Guidelines, 2015. Collection method: curation. Allele origin: unknown.
Comment: This variant is interpreted as a Uncertain Significance - Conflicting Evidence, for Capillary malformation-arteriovenous malformation, in Autosomal Dominant manner. The following ACMG Tag(s) were applied: PP3 => Multiple lines of computational evidence support a deleterious effect on the gene or gene product. BS2-Supporting => BS2 downgraded in strength to supporting.

Illumina Laboratory Services, Illumina
Classification: Benign for Capillary malformation-arteriovenous malformation 1. Last evaluated: 2018-01-12. Review status: criteria provided, single submitter. Criteria: ICSL Variant Classification Criteria 13 December 2019. Collection method: clinical testing. Allele origin: germline.
Comment: This variant was observed in the ICSL laboratory as part of a predisposition screen in an ostensibly healthy population. It had not been previously curated by ICSL or reported in the Human Gene Mutation Database (HGMD: prior to June 1st, 2018), and was therefore a candidate for classification through an automated scoring system. Utilizing variant allele frequency, disease prevalence and penetrance estimates, and inheritance mode, an automated score was calculated to assess if this variant is too frequent to cause the disease. Based on the score and internal cut-off values, a variant classified as benign is not then subjected to further curation. The score for this variant resulted in a classification of benign for this disease.

PreventionGenetics, part of Exact Sciences
Classification: Likely benign for RASA1-related condition. Last evaluated: 2022-08-10. Review status: no assertion criteria provided. Collection method: clinical testing. Allele origin: germline. Not counted in ClinVar's aggregate classification.
Comment: This variant is classified as likely benign based on ACMG/AMP sequence variant interpretation guidelines (Richards et al. 2015 PMID: 25741868, with internal and published modifications).

Literature cited by the submitters: PubMed 24038909 (cited by Ambry Genetics); PubMed 27081547 (cited by Ambry Genetics); PubMed 28655553 (cited by Ambry Genetics); PubMed 29891884 (cited by Ambry Genetics).